The following is an entry in ClinVar:

ClinVar aggregate classification (germline): Uncertain significance (1 of 4 stars; one submission).

Conditions:
Charcot-Marie-Tooth Neuropathy X. Identifiers: MedGen CN118851.

Submission:

Labcorp Genetics (formerly Invitae), Labcorp
Classification: Uncertain significance for Charcot-Marie-Tooth Neuropathy X. Last evaluated: 2022-10-08. Review status: criteria provided, single submitter. Criteria: Invitae Variant Classification Sherloc (09022015). Collection method: clinical testing. Allele origin: germline.
Comment: A copy number gain of the genomic region encompassing the full coding sequence of the PRPS1 gene has been identified. The boundaries of this event are unknown as they extend beyond the assayed region for this gene and therefore may encompass additional genes. As the precise location of this event is unknown, it may be in tandem or it may be located elsewhere in the genome. This variant has not been reported in the literature in individuals affected with PRPS1-related conditions. In summary, the available evidence is currently insufficient to determine the role of this variant in disease. Therefore, it has been classified as a Variant of Uncertain Significance.

NC_000023.10:g.(?_106456106)_(106959200_?)dup

Genes: DNAAF6 (dynein axonemal assembly factor 6; plus strand), FRMPD3 (FERM and PDZ domain containing 3; plus strand), PRPS1 (phosphoribosyl pyrophosphate synthetase 1; plus strand), TSC22D3 (TSC22 domain family member 3; minus strand). Cytogenetic location: Xq22.3.
Variant type: Duplication.
Identifiers: ClinVar variation 2424530 (VCV002424530.4).